The following is an entry in ClinVar:

ClinVar aggregate classification (germline): Likely pathogenic (1 of 4 stars; one submission).

Submission:

Labcorp Genetics (formerly Invitae), Labcorp
Classification: Likely pathogenic. Last evaluated: 2023-03-12. Review status: criteria provided, single submitter. Criteria: Invitae Variant Classification Sherloc (09022015). Collection method: clinical testing. Allele origin: germline.
Comment: This variant results in the deletion of part of exon 32 (c.3510-1_3510delinsTT) of the UBR1 gene. It is expected to disrupt RNA splicing. Variants that disrupt the donor or acceptor splice site typically lead to a loss of protein function (PMID: 16199547), and loss-of-function variants in UBR1 are known to be pathogenic (PMID: 24599544). Information on the frequency of this variant in the gnomAD database is not available, as this variant may be reported differently in the database. This variant has not been reported in the literature in individuals affected with UBR1-related conditions. In summary, the currently available evidence indicates that the variant is pathogenic, but additional data are needed to prove that conclusively. Therefore, this variant has been classified as Likely Pathogenic.

Literature cited by the submitters: PubMed 16199547; PubMed 24599544.

NM_174916.3(UBR1):c.3510-1_3510delinsTT

Gene: UBR1 (ubiquitin protein ligase E3 component n-recognin 1; minus strand). Cytogenetic location: 15q15.2.
Variant type: Indel.
Coding change: c.3510-1_3510delinsTT on transcript NM_174916.3 (MANE Select); the canonical splice acceptor site of the intron before coding-DNA position 3510 through coding-DNA position 3510, GG replaced by TT.
Molecular consequence: splice acceptor variant.
Genome position (GRCh38, 1-based): chr15:43,002,704-43,002,705, CC replaced by AA on the plus strand (GG replaced by TT on the coding strand, the reverse complement: UBR1 is on the minus strand). VCF-style: chr15-43002704-CC-AA. GRCh37 (hg19) VCF-style: chr15-43294902-CC-AA.
Identifiers: ClinVar variation 2845288 (VCV002845288.3), dbSNP rs2542941600, ClinGen allele CA2739279362.
Genomic context (GRCh38, chr15:43,002,704, plus strand): 5'-CAAGTCAAAAAGGTCAACATGAATGCGCTGCTGAGAGCTCAGCTGTACAGCTTCAAAATA[CC>AA]TGCAAAATTACAAAGACACAGGCCCATTCAGAACTACACATGCATCTCTACATGTGTATC-3'